The following is an entry in ClinVar:

ClinVar aggregate classification (germline): Conflicting classifications of pathogenicity. Review status: criteria provided, conflicting classifications (1 of 4 stars). 7 submissions from 7 submitters: Uncertain significance (5); Likely benign (1). 1 of the submissions does not count toward it. Last evaluated 2025-08-18.

Conditions:
MSH6-related disorder. Also called: MSH6-related condition; MSH6-Related disorders.
Hereditary nonpolyposis colorectal neoplasms. Identifiers: MedGen C0009405, MeSH D003123.
Hereditary cancer-predisposing syndrome. Also called: Neoplastic Syndromes, Hereditary; Tumor predisposition; Hereditary Cancer Syndrome; Hereditary neoplastic syndrome. Identifiers: Orphanet 140162, MedGen C0027672, MeSH D009386, MONDO:0015356.
Lynch syndrome. Identifiers: Orphanet 144, MedGen C4552100, MONDO:0005835. Disease mechanism: loss of function.
Lynch syndrome 5 (LYNCH5). Also called: Colorectal cancer, hereditary nonpolyposis, type 5; Hereditary non-polyposis colorectal cancer, type 5. Identifiers: Orphanet 144, MedGen C1833477, MONDO:0013710, OMIM 614350. Disease mechanism: loss of function.

gnomAD v4.1: 4 of 1,613,750 alleles (0.00025%); highest among the groups gnomAD compares: Non-Finnish European, 0.00034%; no homozygotes.

Submissions (7):

Labcorp Genetics (formerly Invitae), Labcorp
Classification: Likely benign for Hereditary nonpolyposis colorectal neoplasms. Last evaluated: 2025-08-18. Review status: criteria provided, single submitter. Criteria: Invitae Variant Classification Sherloc (09022015). Collection method: clinical testing. Allele origin: germline.

Women's Health and Genetics/Laboratory Corporation of America, LabCorp
Classification: Uncertain significance. Last evaluated: 2024-07-08. Review status: criteria provided, single submitter. Criteria: LabCorp Variant Classification Summary - May 2015. Collection method: clinical testing. Allele origin: germline.
Comment: Variant summary: MSH6 c.2482G>A (p.Val828Ile) results in a conservative amino acid change located in the DNA mismatch repair protein MutS, core domain (IPR007696) of the encoded protein sequence. Four of five in-silico tools predict a benign effect of the variant on protein function. The variant allele was found at a frequency of 4e-06 in 249020 control chromosomes. The available data on variant occurrences in the general population are insufficient to allow any conclusion about variant significance. One large case-control study evaluating Biliary tract cancer reported the variant significantly distributed in the cases with Biliary tract cancer, however the causality remained unknown (Okawa_2023). These report(s) do not provide unequivocal conclusions about association of the variant with Lynch Syndrome. To our knowledge, no experimental evidence demonstrating an impact on protein function has been reported. The following publication has been ascertained in the context of this evaluation (PMID: 36243179). ClinVar contains an entry for this variant (Variation ID: 140892). Based on the evidence outlined above, the variant was classified as uncertain significance.

All of Us Research Program, National Institutes of Health
Classification: Uncertain significance for Lynch syndrome. Last evaluated: 2024-05-30. Review status: criteria provided, single submitter. Criteria: ACMG Guidelines, 2015. Collection method: clinical testing. Allele origin: germline. Inheritance: Autosomal dominant inheritance. Observed: 4 variant alleles, 4 heterozygotes.
Comment: This missense variant replaces valine with isoleucine at codon 828 of the MSH6 protein. Computational prediction suggests that this variant may not impact protein structure and function (internally defined REVEL score threshold <= 0.5, PMID: 27666373). Splice site prediction tools suggest that this variant may not impact RNA splicing. To our knowledge, functional studies have not been performed for this variant. This variant has not been reported in individuals affected with hereditary cancer in the literature. This variant has been identified in 1/249020 chromosomes in the general population by the Genome Aggregation Database (gnomAD). The available evidence is insufficient to determine the role of this variant in disease conclusively. Therefore, this variant is classified as a Variant of Uncertain Significance.

This study involves interpretation of variants in research participants for the purpose of population health screening. Participant phenotype was not available at the time of variant classification. Additional details can be found in publication PMID: 35346344, PMCID: PMC8962531

Ambry Genetics
Classification: Uncertain significance for Hereditary cancer-predisposing syndrome. Last evaluated: 2024-05-28. Review status: criteria provided, single submitter. Criteria: Ambry Variant Classification Scheme 2023. Collection method: clinical testing. Allele origin: germline.
Comment: The p.V828I variant (also known as c.2482G>A), located in coding exon 4 of the MSH6 gene, results from a G to A substitution at nucleotide position 2482. The valine at codon 828 is replaced by isoleucine, an amino acid with highly similar properties. This amino acid position is not well conserved in available vertebrate species. In addition, this alteration is predicted to be tolerated by in silico analysis. Based on the available evidence, the clinical significance of this variant remains unclear.

Color Diagnostics, LLC DBA Color Health
Classification: Uncertain significance for Hereditary cancer-predisposing syndrome. Last evaluated: 2024-03-06. Review status: criteria provided, single submitter. Criteria: ACMG Guidelines, 2015. Collection method: clinical testing. Allele origin: germline.
Comment: This missense variant replaces valine with isoleucine at codon 828 of the MSH6 protein. Computational prediction suggests that this variant may not impact protein structure and function (internally defined REVEL score threshold <= 0.5, PMID: 27666373). To our knowledge, functional studies have not been reported for this variant. This variant has not been reported in individuals affected with MSH6-related disorders in the literature. This variant has been identified in 1/249020 chromosomes in the general population by the Genome Aggregation Database (gnomAD). The available evidence is insufficient to determine the role of this variant in disease conclusively. Therefore, this variant is classified as a Variant of Uncertain Significance.

Illumina Laboratory Services, Illumina
Classification: Uncertain significance for Lynch syndrome 5. Last evaluated: 2018-01-12. Review status: criteria provided, single submitter. Criteria: ICSL Variant Classification Criteria 13 December 2019. Collection method: clinical testing. Allele origin: germline.

PreventionGenetics, part of Exact Sciences
Classification: Uncertain significance for MSH6-related condition. Last evaluated: 2023-12-21. Review status: no assertion criteria provided. Collection method: clinical testing. Allele origin: germline. Not counted in ClinVar's aggregate classification.
Comment: The MSH6 c.2482G>A variant is predicted to result in the amino acid substitution p.Val828Ile. This change was reported as a variant of uncertain significance in an individual with biliary tract cancer (Okawa et al. 2023. PubMed ID: 36243179). This variant is reported in 0.00089% of alleles in individuals of European (Non-Finnish) descent in gnomAD. At this time, the clinical significance of this variant is uncertain due to the absence of conclusive functional and genetic evidence.

Literature cited by the submitters: PubMed 36243179 (cited by Women's Health and Genetics/Laboratory Corporation of America, LabCorp).

NM_000179.3(MSH6):c.2482G>A (p.Val828Ile)

Gene: MSH6 (mutS homolog 6; plus strand). Cytogenetic location: 2p16.3.
Variant type: single nucleotide variant.
Coding change: c.2482G>A on transcript NM_000179.3 (MANE Select); coding-DNA position 2482, G replaced by A.
Protein change: p.Val828Ile; replaces valine 828 with isoleucine.
Molecular consequence: missense variant.
Genome position (GRCh38, 1-based): chr2:47,800,465, G>A. VCF-style: chr2-47800465-G-A. GRCh37 (hg19) VCF-style: chr2-48027604-G-A.
Other names: c.2092G>A, p.Val698Ile (NM_001281492.2); c.1576G>A, p.Val526Ile (NM_001281493.2, NM_001281494.2); short protein forms V828I, V526I, V698I.
Identifiers: ClinVar variation 140892 (VCV000140892.27), dbSNP rs587781349, ClinGen allele CA010298.